The following is an entry in ClinVar:

NM_022048.5(CSNK1G1):c.587A>G (p.Asp196Gly)

Gene: CSNK1G1 (casein kinase 1 gamma 1; minus strand). Cytogenetic location: 15q22.31.
Variant type: single nucleotide variant.
Coding change: c.587A>G on transcript NM_022048.5 (MANE Select); coding-DNA position 587, A replaced by G.
Protein change: p.Asp196Gly; replaces aspartic acid 196 with glycine.
Molecular consequence: missense variant.
Genome position (GRCh38, 1-based): chr15:64,213,982, T>C on the plus strand (A>G on the coding strand, the complement: CSNK1G1 is on the minus strand). VCF-style: chr15-64213982-T-C. GRCh37 (hg19) VCF-style: chr15-64506181-T-C.
Other names: c.587A>G, p.Asp196Gly (NM_001011664.2, NM_001329605.2, NM_001329606.2 and 1 more transcripts); short protein forms D196G.
Identifiers: ClinVar variation 2140174 (VCV002140174.4), dbSNP rs1233379310, ClinGen allele CA392810882.
Genomic context (GRCh38, chr15:64,213,982, plus strand): 5'-CTTGCAGTTCCAGTTAAACTTTTGTGTTCCCTATAAGGTATGTGTTTTTTGGTTTCGGGG[T>C]CAATGTATTCCTTGGCCAGTCCAAAGTCTATAATGTGTATAACATGCTCTTTCTTATTGC-3'
Protein context (NP_071331.2, residues 186-206): IDFGLAKEYI[Asp196Gly]PETKKHIPYR

ClinVar aggregate classification (germline): Uncertain significance (1 of 4 stars; one submission).

Allele frequency attached by ClinVar (database versions not stated): gnomAD 0.00001; TOPMed 0.00001; gnomAD exomes 0.00002.
gnomAD v4.1: 26 of 1,613,976 alleles (0.0016%); highest among the groups gnomAD compares: Non-Finnish European, 0.002%; no homozygotes.

Submission:

Labcorp Genetics (formerly Invitae), Labcorp
Classification: Uncertain significance. Last evaluated: 2022-06-09. Review status: criteria provided, single submitter. Criteria: Invitae Variant Classification Sherloc (09022015). Collection method: clinical testing. Allele origin: germline.
Comment: In summary, the available evidence is currently insufficient to determine the role of this variant in disease. Therefore, it has been classified as a Variant of Uncertain Significance. Algorithms developed to predict the effect of missense changes on protein structure and function (SIFT, PolyPhen-2, Align-GVGD) all suggest that this variant is likely to be disruptive. This variant has not been reported in the literature in individuals affected with CSNK1G1-related conditions. This variant is present in population databases (no rsID available, gnomAD 0.003%). This sequence change replaces aspartic acid, which is acidic and polar, with glycine, which is neutral and non-polar, at codon 196 of the CSNK1G1 protein (p.Asp196Gly).